The following is an entry in ClinVar:

NM_001282597.3(CTNNA2):c.826C>T (p.Leu276=)

Gene: CTNNA2 (catenin alpha 2; plus strand). Cytogenetic location: 2p12.
Variant type: single nucleotide variant.
Coding change: c.826C>T on transcript NM_001282597.3 (MANE Select); coding-DNA position 826, C replaced by T.
Protein change: p.Leu276=; no amino-acid change (leucine 276 retained).
Molecular consequence: synonymous variant.
Genome position (GRCh38, 1-based): chr2:79,874,316, C>T. VCF-style: chr2-79874316-C-T. GRCh37 (hg19) VCF-style: chr2-80101442-C-T.
Other names: c.826C>T (NM_001282597.2); c.826C>T, p.Leu276= (NM_001164883.2, NM_001399737.1, NM_004389.4); c.928C>T, p.Leu310= (NM_001282598.2).
Identifiers: ClinVar variation 3778016 (VCV003778016.8).

ClinVar aggregate classification (germline): Conflicting classifications of pathogenicity. Review status: criteria provided, conflicting classifications (1 of 4 stars). 2 submissions from 2 submitters: Uncertain significance (1); Likely benign (1). Last evaluated 2025-03-01.

Conditions:
CTNNA2-related disorder. Also called: CTNNA2-related condition.

gnomAD v4.1: 36 of 1,613,826 alleles (0.0022%); highest among the groups gnomAD compares: Non-Finnish European, 0.0031%; no homozygotes.

Submissions (2):

CeGaT Center for Human Genetics Tuebingen
Classification: Uncertain significance. Last evaluated: 2025-03-01. Review status: criteria provided, single submitter. Criteria: CeGaT Center For Human Genetics Tuebingen Variant Classification Criteria Version 2. Collection method: clinical testing. Allele origin: germline. Affected: yes. Observed: 1 variant allele.
Comment: CTNNA2: PM2:Supporting, BP4

PreventionGenetics, part of Exact Sciences
Classification: Likely benign for CTNNA2-related condition. Last evaluated: 2025-01-03. Review status: criteria provided, single submitter. Criteria: ACMG Guidelines, 2015. Collection method: clinical testing. Allele origin: germline.
Comment: This variant is classified as likely benign based on ACMG/AMP sequence variant interpretation guidelines (Richards et al. 2015 PMID: 25741868, with internal and published modifications).